The following is an entry in ClinVar:

NM_000038.6(APC):c.4459A>G (p.Thr1487Ala)

Gene: APC (APC regulator of Wnt signaling pathway; plus strand). Cytogenetic location: 5q22.2.
Variant type: single nucleotide variant.
Coding change: c.4459A>G on transcript NM_000038.6 (MANE Select); coding-DNA position 4459, A replaced by G.
Protein change: p.Thr1487Ala; replaces threonine 1487 with alanine.
Molecular consequence: missense variant. On other transcripts: non-coding transcript variant (2).
Genome position (GRCh38, 1-based): chr5:112,840,053, A>G. VCF-style: chr5-112840053-A-G. GRCh37 (hg19) VCF-style: chr5-112175750-A-G.
Other names: c.4375A>G, p.Thr1459Ala (NM_001354899.2); c.4336A>G, p.Thr1446Ala (NM_001354900.2); c.4282A>G, p.Thr1428Ala (NM_001354901.2, NM_001407453.1); c.4186A>G, p.Thr1396Ala (NM_001354902.2); c.4156A>G, p.Thr1386Ala (NM_001354903.2, NM_001407458.1, NM_001407459.1 and 1 more transcripts); c.4081A>G, p.Thr1361Ala (NM_001354904.2); c.3979A>G, p.Thr1327Ala (NM_001354905.2); c.3610A>G, p.Thr1204Ala (NM_001354906.2, NM_001407470.1); and 12 more; short protein forms T1358A, T1361A, T1386A, T1462A, T1497A, T1515A, T1404A, T1459A.
Identifiers: ClinVar variation 3635465 (VCV003635465.3).

ClinVar aggregate classification (germline): Uncertain significance. Review status: criteria provided, multiple submitters, no conflicts (2 of 4 stars). 2 submissions from 2 submitters: Uncertain significance (2). Last evaluated 2026-06-24.

Conditions:
Familial adenomatous polyposis 1 (FAP1). Also called: FAMILIAL ADENOMATOUS POLYPOSIS 1, ATTENUATED; POLYPOSIS, ADENOMATOUS INTESTINAL. Identifiers: MedGen C2713442, MONDO:0021056, OMIM 175100. Disease mechanism: loss of function.
Hereditary cancer-predisposing syndrome. Also called: Hereditary neoplastic syndrome; Neoplastic Syndromes, Hereditary; Tumor predisposition; Hereditary Cancer Syndrome. Identifiers: Orphanet 140162, MedGen C0027672, MeSH D009386, MONDO:0015356.

Submissions (2):

Ambry Genetics
Classification: Uncertain significance for Hereditary cancer-predisposing syndrome. Last evaluated: 2026-06-24. Review status: criteria provided, single submitter. Criteria: Ambry Variant Classification Scheme 2023. Collection method: clinical testing. Allele origin: germline.
Comment: The p.T1487A variant (also known as c.4459A>G), located in coding exon 15 of the APC gene, results from an A to G substitution at nucleotide position 4459. The threonine at codon 1487 is replaced by alanine, an amino acid with similar properties. Missense variants in APC are not a common cause of disease (Spier I et al. Genet Med. 2024 Feb;26(2):100992). This amino acid position is well conserved in available vertebrate species. In addition, in silico predictors for this gene do not accurately predict pathogenicity. Based on the available evidence, the clinical significance of this variant remains unclear.

Labcorp Genetics (formerly Invitae), Labcorp
Classification: Uncertain significance for Familial adenomatous polyposis 1. Last evaluated: 2025-12-28. Review status: criteria provided, single submitter. Criteria: Invitae Variant Classification Sherloc (09022015). Collection method: clinical testing. Allele origin: germline.
Comment: This sequence change replaces threonine, which is neutral and polar, with alanine, which is neutral and non-polar, at codon 1487 of the APC protein (p.Thr1487Ala). This variant is not present in population databases (gnomAD no frequency). This variant has not been reported in the literature in individuals affected with APC-related conditions. ClinVar contains an entry for this variant (Variation ID: 3635465). Invitae Evidence Modeling of protein sequence and biophysical properties (such as structural, functional, and spatial information, amino acid conservation, physicochemical variation, residue mobility, and thermodynamic stability) indicates that this missense variant is not expected to disrupt APC protein function with a negative predictive value of 95%. In summary, the available evidence is currently insufficient to determine the role of this variant in disease. Therefore, it has been classified as a Variant of Uncertain Significance.